The following is an entry in ClinVar:

ClinVar aggregate classification (germline): Uncertain significance (1 of 4 stars; one submission).

Submission:

GeneDx
Classification: Uncertain significance. Last evaluated: 2026-03-11. Review status: criteria provided, single submitter. Criteria: GeneDx Variant Classification Process June 2021. Collection method: clinical testing. Allele origin: germline.
Comment: Not observed at significant frequency in large population cohorts (gnomAD); In silico analysis suggests that this missense variant does not alter protein structure/function; Has not been previously published as pathogenic or benign to our knowledge; Reported using an alternate transcript of the gene

NM_001244008.2(KIF1A):c.2776G>A (p.Asp926Asn)

Gene: KIF1A (kinesin family member 1A; minus strand). Cytogenetic location: 2q37.3.
Variant type: single nucleotide variant.
Coding change: c.2776G>A on transcript NM_001244008.2 (MANE Select); coding-DNA position 2776, G replaced by A.
Protein change: p.Asp926Asn; replaces aspartic acid 926 with asparagine.
Molecular consequence: missense variant. On other transcripts: intron variant (18).
Genome position (GRCh38, 1-based): chr2:240,757,401, C>T on the plus strand (G>A on the coding strand, the complement: KIF1A is on the minus strand). VCF-style: chr2-240757401-C-T. GRCh37 (hg19) VCF-style: chr2-241696818-C-T.
Other names: c.2851G>A, p.Asp951Asn (NM_001379631.1); c.2725G>A, p.Asp909Asn (NM_001379632.1); c.2749G>A, p.Asp917Asn (NM_001379633.1, NM_001379642.1, NM_001379645.1); c.2555+959G>A (NM_001379653.1, NM_001379650.1, NM_001379640.1 and 6 more transcripts); c.2657+959G>A (NM_001379635.1, NM_001330290.2, NM_001379646.1 and 1 more transcripts); c.2630+959G>A (NM_001379637.1, NM_001379648.1); c.2582+959G>A (NM_001320705.2, NM_001379638.1, NM_001330289.2); short protein forms D926N, D917N, D909N, D951N.
Identifiers: ClinVar variation 5008996 (VCV005008996.1).